The following is an entry in ClinVar:

NM_006648.4(WNK2):c.492G>T (p.Glu164Asp)

Gene: WNK2 (WNK lysine deficient protein kinase 2; plus strand). Cytogenetic location: 9q22.31.
Variant type: single nucleotide variant.
Coding change: c.492G>T on transcript NM_006648.4 (MANE Select); coding-DNA position 492, G replaced by T.
Protein change: p.Glu164Asp; replaces glutamic acid 164 with aspartic acid.
Molecular consequence: missense variant.
Genome position (GRCh38, 1-based): chr9:93,185,421, G>T. VCF-style: chr9-93185421-G-T. GRCh37 (hg19) VCF-style: chr9-95947703-G-T.
Other names: c.492G>T, p.Glu164Asp (NM_001282394.3); short protein forms E164D.
Identifiers: ClinVar variation 4842087 (VCV004842087.1).
Genomic context (GRCh38, chr9:93,185,421, plus strand): 5'-GGAGGAGGCGGCGGCGACCGTGAGGAAGGAGGATGAGGGGGCGGCCGAGGCGAAGCCTGA[G>T]CCCGGGCGCACTCGCCGGGACGAGCCCGAAGAGGAGGAGGACGACGAGGACGACCTCAAG-3'
Protein context (NP_006639.3, residues 154-174): EDEGAAEAKP[Glu164Asp]PGRTRRDEPE

ClinVar aggregate classification (germline): Uncertain significance (1 of 4 stars; one submission).

Submission:

Ambry Genetics
Classification: Uncertain significance. Last evaluated: 2025-12-19. Review status: criteria provided, single submitter. Criteria: Ambry Variant Classification Scheme 2023. Collection method: clinical testing. Allele origin: germline.
Comment: The p.E164D variant (also known as c.492G>T), located in coding exon 1 of the WNK2 gene, results from a G to T substitution at nucleotide position 492. The glutamic acid at codon 164 is replaced by aspartic acid, an amino acid with highly similar properties. This amino acid position is conserved. In addition, this alteration is predicted to be tolerated by in silico analysis. Based on the available evidence, the clinical significance of this variant remains unclear.